The following is an entry in ClinVar:

NM_001365276.2(TNXB):c.5981C>T (p.Thr1994Ile)

Gene: TNXB (tenascin XB; minus strand). Cytogenetic location: 6p21.33.
Variant type: single nucleotide variant.
Coding change: c.5981C>T on transcript NM_001365276.2 (MANE Select); coding-DNA position 5981, C replaced by T.
Protein change: p.Thr1994Ile; replaces threonine 1994 with isoleucine.
Molecular consequence: missense variant.
Genome position (GRCh38, 1-based): chr6:32,068,629, G>A on the plus strand (C>T on the coding strand, the complement: TNXB is on the minus strand). VCF-style: chr6-32068629-G-A. GRCh37 (hg19) VCF-style: chr6-32036406-G-A.
Other names: c.5981C>T, p.Thr1994Ile (NM_019105.8); c.5981C>T (NM_019105.6); short protein forms T1994I.
Identifiers: ClinVar variation 2500102 (VCV002500102.5), dbSNP rs750600772, ClinGen allele CA3734558.

ClinVar aggregate classification (germline): Uncertain significance. Review status: criteria provided, multiple submitters, no conflicts (2 of 4 stars). 2 submissions from 2 submitters: Uncertain significance (2). Last evaluated 2024-09-10.

Conditions:
Ehlers-Danlos syndrome due to tenascin-X deficiency (EDSCLL1). Also called: EDS DUE TO TNX DEFICIENCY; EHLERS-DANLOS SYNDROME, CLASSIC-LIKE; Ehlers-Danlos syndrome, classic-like, 1; TNXB-Related Classical-Like Ehlers-Danlos Syndrome; TNX DEFICIENCY. Identifiers: Orphanet 230839, MedGen C1848029, MONDO:0011670, OMIM 606408.
Vesicoureteral reflux 8 (VUR8). Identifiers: Orphanet 289365, MedGen C4014831, MONDO:0014422, OMIM 615963.
Cardiovascular phenotype. Identifiers: MedGen CN230736.

Allele frequency attached by ClinVar (database versions not stated): ExAC 0.00001; gnomAD 0.00001; TOPMed 0.00001.
gnomAD v4.1: 54 of 1,613,826 alleles (0.0033%); highest among the groups gnomAD compares: Non-Finnish European, 0.0042%; no homozygotes.

Submissions (2):

Ambry Genetics
Classification: Uncertain significance for Cardiovascular phenotype. Last evaluated: 2024-09-10. Review status: criteria provided, single submitter. Criteria: Ambry Variant Classification Scheme 2023. Collection method: clinical testing. Allele origin: germline.

Center for Genomics, Ann and Robert H. Lurie Children's Hospital of Chicago
Classification: Uncertain significance for Ehlers-Danlos syndrome due to tenascin-X deficiency; Vesicoureteral reflux 8. Review status: criteria provided, single submitter. Criteria: ACMG Guidelines, 2015. Collection method: clinical testing. Allele origin: germline.
Comment: TNXB NM_019105.7 exon 17 p.Thr1994Ile (c.5981C>T): This variant has not been reported in the literature but is present in 0.005% (6/112852) of European alleles in the Genome Aggregation Database. Evolutionary conservation and computational predictive tools suggest that this variant may not impact the protein. In summary, data on this variant is insufficient for disease classification. Therefore, the clinical significance of this variant is uncertain.